The following is an entry in ClinVar:

ClinVar aggregate classification (germline): Likely pathogenic (1 of 4 stars; one submission).

Submission:

GeneDx
Classification: Likely pathogenic. Last evaluated: 2022-06-02. Review status: criteria provided, single submitter. Criteria: GeneDx Variant Classification Process June 2021. Collection method: clinical testing. Allele origin: germline. Affected: yes.
Comment: Identified in a patient with recurrent intracerebral hemorrhages and history of infantile hemiparesis in the published literature, however familial segregation studies could not be completed (Vahedi et al., 2007); Identified in a patient with spastic quadriplegia and periventricular leukomalacia in the published literature. Variant was inherited from patient's father with no clinical information provided (van Eyk et al., 2019).; Not observed at significant frequency in large population cohorts (gnomAD); In silico analysis supports that this missense variant has a deleterious effect on protein structure/function; This variant is associated with the following publications: (PMID: 17938367, 31700678, 17379824)

NM_001845.6(COL4A1):c.2413G>A (p.Gly805Arg)

Gene: COL4A1 (collagen type IV alpha 1 chain; minus strand). Cytogenetic location: 13q34.
Variant type: single nucleotide variant.
Coding change: c.2413G>A on transcript NM_001845.6 (MANE Select); coding-DNA position 2413, G replaced by A.
Protein change: p.Gly805Arg; replaces glycine 805 with arginine.
Molecular consequence: missense variant.
Genome position (GRCh38, 1-based): chr13:110,178,968, C>T on the plus strand (G>A on the coding strand, the complement: COL4A1 is on the minus strand). VCF-style: chr13-110178968-C-T. GRCh37 (hg19) VCF-style: chr13-110831315-C-T.
Other names: short protein forms G805R.
Identifiers: ClinVar variation 1706876 (VCV001706876.2), dbSNP rs113994110, ClinGen allele CA256259306.
Genomic context (GRCh38, chr13:110,178,968, plus strand): 5'-AAGCATGTCACTCACCTGACAACCCCGGTGGTCCCTGTCCTCCAGGGGGACCCCTAGCTC[C>T]AGGGGGGCCTATTCCTGGAACTCCTGGAGACCCCACGGAGCCTGGCAATCCAGGAGGTCC-3'
Protein context (NP_001836.3, residues 795-815): SPGVPGIGPP[Gly805Arg]ARGPPGGQGP